The following is an entry in ClinVar:

ClinVar aggregate classification (germline): Uncertain significance (1 of 4 stars; one submission).

Submission:

GeneDx
Classification: Uncertain significance. Last evaluated: 2019-05-24. Review status: criteria provided, single submitter. Criteria: GeneDx Variant Classification Process June 2021. Collection method: clinical testing. Allele origin: germline. Affected: yes.
Comment: Not observed in large population cohorts (Lek et al., 2016); In silico analysis, which includes protein predictors and evolutionary conservation, supports that this variant does not alter protein structure/function; Has not been previously published as pathogenic or benign to our knowledge

NM_014159.7(SETD2):c.3946A>G (p.Thr1316Ala)

Gene: SETD2 (SET domain containing 2, histone lysine methyltransferase; minus strand). Cytogenetic location: 3p21.31.
Variant type: single nucleotide variant.
Coding change: c.3946A>G on transcript NM_014159.7 (MANE Select); coding-DNA position 3946, A replaced by G.
Protein change: p.Thr1316Ala; replaces threonine 1316 with alanine.
Molecular consequence: missense variant. On other transcripts: non-coding transcript variant (1).
Genome position (GRCh38, 1-based): chr3:47,120,690, T>C on the plus strand (A>G on the coding strand, the complement: SETD2 is on the minus strand). VCF-style: chr3-47120690-T-C. GRCh37 (hg19) VCF-style: chr3-47162180-T-C.
Other names: c.3814A>G, p.Thr1272Ala (NM_001349370.3); short protein forms T1272A, T1316A.
Identifiers: ClinVar variation 1305978 (VCV001305978.2), dbSNP rs2043040689, ClinGen allele CA352519532.